The following is an entry in ClinVar:

NM_033400.3(ZFHX2):c.5194G>A (p.Glu1732Lys)

Genes: THTPA (thiamine triphosphatase; plus strand), ZFHX2 (zinc finger homeobox 2; minus strand). Cytogenetic location: 14q11.2.
Variant type: single nucleotide variant.
Coding change: c.5194G>A on transcript NM_033400.3 (MANE Select); coding-DNA position 5194, G replaced by A.
Protein change: p.Glu1732Lys; replaces glutamic acid 1732 with lysine.
Molecular consequence: missense variant.
Genome position (GRCh38, 1-based): chr14:23,524,748, C>T on the plus strand (G>A on the coding strand, the complement: ZFHX2 is on the minus strand). VCF-style: chr14-23524748-C-T. GRCh37 (hg19) VCF-style: chr14-23993957-C-T.
Other names: short protein forms E1732K.
Identifiers: ClinVar variation 4875215 (VCV004875215.2).

ClinVar aggregate classification (germline): Uncertain significance (1 of 4 stars; one submission).

Submission:

CeGaT Center for Human Genetics Tuebingen
Classification: Uncertain significance. Last evaluated: 2026-06-01. Review status: criteria provided, single submitter. Criteria: CeGaT Center For Human Genetics Tuebingen Variant Classification Criteria Version 2. Collection method: clinical testing. Allele origin: germline. Affected: yes. Observed: 1 variant allele.
Comment: ZFHX2: PM2, BP4